The following is an entry in ClinVar:

ClinVar aggregate classification (germline): Likely pathogenic (1 of 4 stars; one submission).

Submission:

GeneDx
Classification: Likely pathogenic. Last evaluated: 2018-11-02. Review status: criteria provided, single submitter. Criteria: GeneDx Variant Classification (06012015). Collection method: clinical testing. Allele origin: germline. Affected: yes.
Comment: The c.517_518insC variant in the ARV1 gene has not been reported previously as a pathogenic variant nor as a benign variant, to our knowledge. The c.517_518insC variant causes a frameshift starting with codon Lysine 173, changes this amino acid to a Threonine residue, and creates a premature Stop codon at position 15 of the new reading frame, denoted p.Lys173ThrfsX15. This variant is predicted to cause loss of normal protein function either through protein truncation or nonsense-mediated mRNA decay. The c.517_518insC variant is not observed in large population cohorts (Lek et al., 2016). We interpret c.517_518insC as a likely pathogenic variant.

NM_022786.3(ARV1):c.517_518insC (p.Lys173fs)

Gene: ARV1 (ARV1 homolog, fatty acid homeostasis modulator; plus strand). Cytogenetic location: 1q42.2.
Variant type: Insertion.
Coding change: c.517_518insC on transcript NM_022786.3 (MANE Select); coding-DNA positions 517 to 518, C inserted.
Protein change: p.Lys173fs; shifts the reading frame from lysine 173.
Molecular consequence: frameshift variant. On other transcripts: non-coding transcript variant (1).
Genome position: GRCh38 VCF-style: chr1-230995828-A-AC. GRCh37 (hg19) VCF-style: chr1-231131574-A-AC.
Other names: c.616_617insC, p.Lys206fs (NM_001346992.2); short protein forms K173fs, K206fs.
Identifiers: ClinVar variation 817303 (VCV000817303.1), dbSNP rs1572343011, ClinGen allele CA915942054.